The following is an entry in ClinVar:

ClinVar aggregate classification (germline): Uncertain significance. Review status: criteria provided, multiple submitters, no conflicts (2 of 4 stars). 2 submissions from 2 submitters: Uncertain significance (2). Last evaluated 2025-05-05.

Conditions:
Joubert syndrome 21 (JBTS21). Identifiers: MedGen C3810212, MONDO:0014288, OMIM 615636.
Inborn genetic diseases. Identifiers: MedGen C0950123, MeSH D030342.

gnomAD v4.1: 5 of 1,609,328 alleles (0.00031%); highest among the groups gnomAD compares: Admixed American, 0.0017%; no homozygotes.

Submissions (2):

Ambry Genetics
Classification: Uncertain significance for Inborn genetic diseases. Last evaluated: 2025-05-05. Review status: criteria provided, single submitter. Criteria: Ambry Variant Classification Scheme 2023. Collection method: clinical testing. Allele origin: germline.

Labcorp Genetics (formerly Invitae), Labcorp
Classification: Uncertain significance for Joubert syndrome 21. Last evaluated: 2024-11-05. Review status: criteria provided, single submitter. Criteria: Invitae Variant Classification Sherloc (09022015). Collection method: clinical testing. Allele origin: germline.
Comment: This sequence change replaces lysine, which is basic and polar, with threonine, which is neutral and polar, at codon 678 of the CSPP1 protein (p.Lys678Thr). This variant is present in population databases (no rsID available, gnomAD 0.003%). This variant has not been reported in the literature in individuals affected with CSPP1-related conditions. ClinVar contains an entry for this variant (Variation ID: 1491101). An algorithm developed to predict the effect of missense changes on protein structure and function (PolyPhen-2) suggests that this variant is likely to be disruptive. In summary, the available evidence is currently insufficient to determine the role of this variant in disease. Therefore, it has been classified as a Variant of Uncertain Significance.

NM_001382391.1(CSPP1):c.2048A>C (p.Lys683Thr)

Gene: CSPP1 (centrosome and spindle pole associated protein 1; plus strand). Cytogenetic location: 8q13.2.
Variant type: single nucleotide variant.
Coding change: c.2048A>C on transcript NM_001382391.1 (MANE Select); coding-DNA position 2048, A replaced by C.
Protein change: p.Lys683Thr; replaces lysine 683 with threonine.
Molecular consequence: missense variant. On other transcripts: intron variant (3).
Genome position (GRCh38, 1-based): chr8:67,149,855, A>C. VCF-style: chr8-67149855-A-C. GRCh37 (hg19) VCF-style: chr8-68062090-A-C.
Other names: c.1967A>C, p.Lys656Thr (NM_001363131.2); c.2114A>C, p.Lys705Thr (NM_001364869.1); c.1934A>C, p.Lys645Thr (NM_001364870.1); c.2033A>C, p.Lys678Thr (NM_024790.7); c.1934-4169A>C (NM_001363132.2); c.1853-4169A>C (NM_001363133.2); c.1079-4169A>C (NM_001291339.2); short protein forms K683T, K645T, K656T, K705T, K678T.
Identifiers: ClinVar variation 1491101 (VCV001491101.7), dbSNP rs1226391179, ClinGen allele CA371186456.
Genomic context (GRCh38, chr8:67,149,855, plus strand): 5'-GGATGCACAGACAAAATATAGATGCCTACCATAACCCAGATGCAAGAACATATGAAGATA[A>C]AAGGGCTGTTGTATCTCTAGACCCAAATTTAGCCACTTCAAATGCTGAGAACCTAGAAGA-3'
Protein context (NP_001369320.1, residues 673-693): HNPDARTYED[Lys683Thr]RAVVSLDPNL